The following is an entry in ClinVar:

NM_171998.4(RAB39B):c.28C>T (p.Arg10Trp)

Gene: RAB39B (RAB39B, member RAS oncogene family; minus strand). Cytogenetic location: Xq28.
Variant type: single nucleotide variant.
Coding change: c.28C>T on transcript NM_171998.4 (MANE Select); coding-DNA position 28, C replaced by T.
Protein change: p.Arg10Trp; replaces arginine 10 with tryptophan.
Molecular consequence: missense variant.
Genome position (GRCh38, 1-based): chrX:155,264,261, G>A on the plus strand (C>T on the coding strand, the complement: RAB39B is on the minus strand). VCF-style: chrX-155264261-G-A. GRCh37 (hg19) VCF-style: chrX-154493546-G-A.
Other names: short protein forms R10W.
Identifiers: ClinVar variation 1712043 (VCV001712043.5), dbSNP rs2524215732, ClinGen allele CA414925691.

ClinVar aggregate classification (germline): Uncertain significance (1 of 4 stars; one submission).

Submission:

GeneDx
Classification: Uncertain significance. Last evaluated: 2026-01-26. Review status: criteria provided, single submitter. Criteria: GeneDx Variant Classification Process June 2021. Collection method: clinical testing. Allele origin: germline. Affected: yes.
Comment: Not observed at significant frequency in large population cohorts (gnomAD); In silico analysis supports that this missense variant has a deleterious effect on protein structure/function; Has not been previously published as pathogenic or benign to our knowledge